The following is an entry in ClinVar:

ClinVar aggregate classification (germline): Uncertain significance (1 of 4 stars; one submission).

gnomAD v4.1: 21 of 1,613,546 alleles (0.0013%); highest among the groups gnomAD compares: Non-Finnish European, 0.0018%; no homozygotes.

Submission:

Labcorp Genetics (formerly Invitae), Labcorp
Classification: Uncertain significance. Last evaluated: 2023-09-07. Review status: criteria provided, single submitter. Criteria: Invitae Variant Classification Sherloc (09022015). Collection method: clinical testing. Allele origin: germline.
Comment: This sequence change replaces tyrosine, which is neutral and polar, with cysteine, which is neutral and slightly polar, at codon 472 of the CLCN6 protein (p.Tyr472Cys). This variant is not present in population databases (gnomAD no frequency). This variant has not been reported in the literature in individuals affected with CLCN6-related conditions. An algorithm developed to predict the effect of missense changes on protein structure and function (PolyPhen-2) suggests that this variant is likely to be disruptive. In summary, the available evidence is currently insufficient to determine the role of this variant in disease. Therefore, it has been classified as a Variant of Uncertain Significance.

NM_001286.5(CLCN6):c.1415A>G (p.Tyr472Cys)

Gene: CLCN6 (chloride voltage-gated channel 6; plus strand). Cytogenetic location: 1p36.22.
Variant type: single nucleotide variant.
Coding change: c.1415A>G on transcript NM_001286.5 (MANE Select); coding-DNA position 1415, A replaced by G.
Protein change: p.Tyr472Cys; replaces tyrosine 472 with cysteine.
Molecular consequence: missense variant. On other transcripts: non-coding transcript variant (1).
Genome position (GRCh38, 1-based): chr1:11,833,919, A>G. VCF-style: chr1-11833919-A-G. GRCh37 (hg19) VCF-style: chr1-11893976-A-G.
Other names: c.1349A>G, p.Tyr450Cys (NM_001256959.2); short protein forms Y450C, Y472C.
Identifiers: ClinVar variation 2777501 (VCV002777501.3), dbSNP rs2523153596, ClinGen allele CA338435344.
Genomic context (GRCh38, chr1:11,833,919, plus strand): 5'-TTGGCTCTTCCCTTGCAGGTACTTTCAGCCCCGTCACTCTGGCCTTGTTCTTCGTTCTCT[A>G]TTTCTTGCTTGCATGTTGGACTTACGGCATTTCTGTTCCAAGTGGCCTTTTTGTGCCTTC-3'
Protein context (NP_001277.2, residues 462-482): PVTLALFFVL[Tyr472Cys]FLLACWTYGI